The following is an entry in ClinVar:

ClinVar aggregate classification (germline): Uncertain significance (1 of 4 stars; one submission).

Conditions:
Neuroblastoma, susceptibility to, 3. Also called: ALK-Related Neuroblastic Tumor Susceptibility. Identifiers: Orphanet 635, MedGen C2751681, MONDO:0013083, OMIM 613014.

Submission:

Labcorp Genetics (formerly Invitae), Labcorp
Classification: Uncertain significance for Neuroblastoma, susceptibility to, 3. Last evaluated: 2023-06-09. Review status: criteria provided, single submitter. Criteria: Invitae Variant Classification Sherloc (09022015). Collection method: clinical testing. Allele origin: germline.
Comment: An algorithm developed to predict the effect of missense changes on protein structure and function (PolyPhen-2) suggests that this variant is likely to be tolerated. This variant has not been reported in the literature in individuals affected with ALK-related conditions. This variant is not present in population databases (gnomAD no frequency). This sequence change replaces arginine, which is basic and polar, with glycine, which is neutral and non-polar, at codon 561 of the ALK protein (p.Arg561Gly). In summary, the available evidence is currently insufficient to determine the role of this variant in disease. Therefore, it has been classified as a Variant of Uncertain Significance.

NM_004304.5(ALK):c.1681A>G (p.Arg561Gly)

Gene: ALK (ALK receptor tyrosine kinase; minus strand). Cytogenetic location: 2p23.2.
Variant type: single nucleotide variant.
Coding change: c.1681A>G on transcript NM_004304.5 (MANE Select); coding-DNA position 1681, A replaced by G.
Protein change: p.Arg561Gly; replaces arginine 561 with glycine.
Molecular consequence: missense variant.
Genome position (GRCh38, 1-based): chr2:29,297,024, T>C on the plus strand (A>G on the coding strand, the complement: ALK is on the minus strand). VCF-style: chr2-29297024-T-C. GRCh37 (hg19) VCF-style: chr2-29519890-T-C.
Other names: short protein forms R561G.
Identifiers: ClinVar variation 2700120 (VCV002700120.3), dbSNP rs2465372203, ClinGen allele CA346466582.